The following is an entry in ClinVar:

NM_000210.4(ITGA6):c.182+11A>G

Gene: ITGA6 (integrin subunit alpha 6; plus strand). Cytogenetic location: 2q31.1.
Variant type: single nucleotide variant.
Coding change: c.182+11A>G on transcript NM_000210.4 (MANE Select); 11 bases into the intron after coding-DNA position 182, A replaced by G.
Molecular consequence: intron variant.
Genome position (GRCh38, 1-based): chr2:172,427,981, A>G. VCF-style: chr2-172427981-A-G. GRCh37 (hg19) VCF-style: chr2-173292709-A-G.
Other names: c.-161+511A>G (NM_001316306.2); c.182+11A>G (NM_001079818.3, NM_001365530.2, NM_001365529.2).
Identifiers: ClinVar variation 332356 (VCV000332356.18), dbSNP rs6744873, ClinGen allele CA1967729.
Genomic context (GRCh38, chr2:172,427,981, plus strand): 5'-GGCTTCTCGCTGGCCATGCACTGGCAACTGCAGCCCGAGGACAAGCGGCTGTGAGTTCCC[A>G]GACCCTTCCCACCCCCACTGGGGCGCCGGCCTGCGCGCGAGTTGAGGCGAGGGCGCGCCC-3'

ClinVar aggregate classification (germline): Benign. Review status: criteria provided, multiple submitters, no conflicts (2 of 4 stars). 4 submissions from 4 submitters: Benign (4). Last evaluated 2026-02-04.

Conditions:
Junctional epidermolysis bullosa with pyloric atresia. Also called: ITGB4-Related Epidermolysis Bullosa with Pyloric Atresia; ITGA6-Related Epidermolysis Bullosa with Pyloric Atresia; EPIDERMOLYSIS BULLOSA, JUNCTIONAL 5B, WITH PYLORIC ATRESIA; APLASIA CUTIS CONGENITA WITH GASTROINTESTINAL ATRESIA; CARMI SYNDROME; EB-PA-ACC. Identifiers: Orphanet 79403, MedGen C5676875, MONDO:0009183, OMIM 226730.

Allele frequency attached by ClinVar (database versions not stated): gnomAD exomes 0.27969 and 0.36194; ESP Exome Variant Server 0.32080; gnomAD 0.34918 and 0.35559; ExAC 0.35604; TOPMed 0.37398; 1000 Genomes Project 30x 0.49235; 1000 Genomes Project 0.50060.
gnomAD v4.1: 459,510 of 1,597,938 alleles (29%); highest among the groups gnomAD compares: East Asian, 88%; 79,325 homozygotes.

Submissions (4):

Labcorp Genetics (formerly Invitae), Labcorp
Classification: Benign. Last evaluated: 2026-02-04. Review status: criteria provided, single submitter. Criteria: Invitae Variant Classification Sherloc (09022015). Collection method: clinical testing. Allele origin: germline.

Illumina Laboratory Services, Illumina
Classification: Benign for Junctional epidermolysis bullosa with pyloric atresia. Last evaluated: 2018-01-13. Review status: criteria provided, single submitter. Criteria: ICSL Variant Classification Criteria 13 December 2019. Collection method: clinical testing. Allele origin: germline.
Comment: This variant was observed in the ICSL laboratory as part of a predisposition screen in an ostensibly healthy population. It had not been previously curated by ICSL or reported in the Human Gene Mutation Database (HGMD: prior to June 1st, 2018), and was therefore a candidate for classification through an automated scoring system. Utilizing variant allele frequency, disease prevalence and penetrance estimates, and inheritance mode, an automated score was calculated to assess if this variant is too frequent to cause the disease. Based on the score and internal cut-off values, a variant classified as benign is not then subjected to further curation. The score for this variant resulted in a classification of benign for this disease.

GeneDx
Classification: Benign. Last evaluated: 2015-03-03. Review status: criteria provided, single submitter. Criteria: GeneDx Variant Classification Process June 2021. Collection method: clinical testing. Allele origin: germline. Affected: yes.

Breakthrough Genomics
Classification: Benign. Review status: criteria provided, single submitter. Criteria: ACMG Guidelines, 2015. Collection method: not provided. Allele origin: germline. Inheritance: Autosomal recessive inheritance. Affected: yes.